The following is an entry in ClinVar:

NM_005236.3(ERCC4):c.336G>T (p.Arg112Ser)

Gene: ERCC4 (ERCC excision repair 4, endonuclease catalytic subunit; plus strand). Cytogenetic location: 16p13.12.
Variant type: single nucleotide variant.
Coding change: c.336G>T on transcript NM_005236.3 (MANE Select); coding-DNA position 336, G replaced by T.
Protein change: p.Arg112Ser; replaces arginine 112 with serine.
Molecular consequence: missense variant.
Genome position (GRCh38, 1-based): chr16:13,922,159, G>T. VCF-style: chr16-13922159-G-T. GRCh37 (hg19) VCF-style: chr16-14016016-G-T.
Other names: short protein forms R112S.
Identifiers: ClinVar variation 2106386 (VCV002106386.4), dbSNP rs1246174701, ClinGen allele CA394818373.

ClinVar aggregate classification (germline): Uncertain significance (1 of 4 stars; one submission).

Conditions:
Cockayne syndrome. Identifiers: Orphanet 191, MedGen C0009207, MONDO:0016006.
Xeroderma pigmentosum, group F (XPF). Also called: XERODERMA PIGMENTOSUM, TYPE F; Xeroderma pigmentosum, type 6; ERCC4-Related Xeroderma Pigmentosum; XERODERMA PIGMENTOSUM, COMPLEMENTATION GROUP F; XERODERMA PIGMENTOSUM VI; XP, GROUP F. Identifiers: MedGen C0268140, MONDO:0010215, OMIM 278760.
Fanconi anemia complementation group Q. Identifiers: Orphanet 84, MedGen C3808988, MONDO:0014108, OMIM 615272.

Submission:

Labcorp Genetics (formerly Invitae), Labcorp
Classification: Uncertain significance for Fanconi anemia complementation group Q; Xeroderma pigmentosum, group F; Cockayne syndrome. Last evaluated: 2022-03-04. Review status: criteria provided, single submitter. Criteria: Invitae Variant Classification Sherloc (09022015). Collection method: clinical testing. Allele origin: germline.
Comment: This variant is not present in population databases (gnomAD no frequency). This sequence change replaces arginine, which is basic and polar, with serine, which is neutral and polar, at codon 112 of the ERCC4 protein (p.Arg112Ser). This variant has not been reported in the literature in individuals affected with ERCC4-related conditions. In summary, the available evidence is currently insufficient to determine the role of this variant in disease. Therefore, it has been classified as a Variant of Uncertain Significance. Algorithms developed to predict the effect of missense changes on protein structure and function (SIFT, PolyPhen-2, Align-GVGD) all suggest that this variant is likely to be tolerated.